The following is an entry in ClinVar:

ClinVar aggregate classification (germline): Likely benign. Review status: criteria provided, single submitter (1 of 4 stars). 2 submissions from 2 submitters: Likely benign (1). 1 of the submissions does not count toward it. Last evaluated 2024-10-01.

Conditions:
P4HTM-related disorder. Also called: P4HTM-related condition.

Allele frequency attached by ClinVar (database versions not stated): 1000 Genomes Project 30x 0.00172; 1000 Genomes Project 0.00180; gnomAD 0.00524; TOPMed 0.00583; ExAC 0.00611; gnomAD exomes 0.00696; ESP Exome Variant Server 0.00700.
gnomAD v4.1: 11,050 of 1,614,058 alleles (0.68%); highest among the groups gnomAD compares: Middle Eastern, 1.7%; 61 homozygotes.

Submissions (2):

CeGaT Center for Human Genetics Tuebingen
Classification: Likely benign. Last evaluated: 2024-10-01. Review status: criteria provided, single submitter. Criteria: CeGaT Center For Human Genetics Tuebingen Variant Classification Criteria Version 2. Collection method: clinical testing. Allele origin: germline. Affected: yes. Observed: 16 variant alleles.
Comment: P4HTM: BP4, BS2

PreventionGenetics, part of Exact Sciences
Classification: Benign for P4HTM-related condition. Last evaluated: 2019-11-04. Review status: no assertion criteria provided. Collection method: clinical testing. Allele origin: germline. Not counted in ClinVar's aggregate classification.
Comment: This variant is classified as benign based on ACMG/AMP sequence variant interpretation guidelines (Richards et al. 2015 PMID: 25741868, with internal and published modifications).

NM_177939.3(P4HTM):c.679A>G (p.Ile227Val)

Gene: P4HTM (prolyl 4-hydroxylase, transmembrane; plus strand). Cytogenetic location: 3p21.31.
Variant type: single nucleotide variant.
Coding change: c.679A>G on transcript NM_177939.3 (MANE Select); coding-DNA position 679, A replaced by G.
Protein change: p.Ile227Val; replaces isoleucine 227 with valine.
Molecular consequence: missense variant.
Genome position (GRCh38, 1-based): chr3:49,002,551, A>G. VCF-style: chr3-49002551-A-G. GRCh37 (hg19) VCF-style: chr3-49039984-A-G.
Other names: c.679A>G, p.Ile227Val (NM_177938.2); short protein forms I227V.
Identifiers: ClinVar variation 2653809 (VCV002653809.25), dbSNP rs140290144, ClinGen allele CA2388319.